The following is an entry in ClinVar:

ClinVar aggregate classification (germline): Likely pathogenic (1 of 4 stars; one submission).

Submission:

Dasa
Classification: Likely pathogenic. Last evaluated: 2025-10-28. Review status: criteria provided, single submitter. Criteria: DASA Assertion Criteria. Collection method: clinical testing. Allele origin: germline.
Comment: NM_001083961.2(WDR62):c.3008_3030del (p.Phe1003Serfs*4) is a frameshift variant in WDR62 predicted to alter the reading frame and introduce a premature termination codon and is predicted to result in an absent or altered protein product. Loss of function is an established disease mechanism for WDR62-associated disorders. Also, this variant is rare in population databases. Based on the currently available evidence, this variant is classified as likely pathogenic.

NM_001083961.2(WDR62):c.3008_3030del (p.Phe1003fs)

Gene: WDR62 (WD repeat domain 62; plus strand). Cytogenetic location: 19q13.12.
Variant type: Deletion.
Coding change: c.3008_3030del on transcript NM_001083961.2 (MANE Select); coding-DNA positions 3008 to 3030, 23 bases deleted (TCGCAGCCATCCACTCCCCAGCT).
Protein change: p.Phe1003fs; shifts the reading frame from phenylalanine 1003.
Molecular consequence: frameshift variant. On other transcripts: intron variant (1).
Genome position (GRCh38, 1-based): chr19:36,101,700-36,101,722, TCGCAGCCATCCACTCCCCAGCT deleted; deleting any 23 consecutive bases within chr19:36,101,695-36,101,722 gives the same sequence; the c. name uses the placement nearest the transcript's 3' end. VCF-style (leftmost placement, unchanged base first): chr19-36101694-GCAGCTTCGCAGCCATCCACTCCC-G. GRCh37 (hg19) VCF-style: chr19-36592596-GCAGCTTCGCAGCCATCCACTCCC-G.
Other names: c.2993_3015del, p.Phe998fs (NM_001411145.1); c.2657_2679del, p.Phe886fs (NM_001411147.1); c.3008_3030del, p.Phe1003fs (NM_173636.5); c.2971+383_2971+405del (NM_001411146.1); short protein forms F1003fs, F886fs, F998fs.
Identifiers: ClinVar variation 4886592 (VCV004886592.2).
Genomic context (GRCh38, chr19:36,101,694, plus strand): 5'-TGGGCTCCTGACCCCGACTCTGTCCTTCAGACTCGGGGGAGTCAGAGGCCGACCTGGAGT[GCAGCTTCGCAGCCATCCACTCCC>G]CAGCTCCGCCTCCTGACCCTGCCCCTCGGTTTGCCACGTCGCTGCCCCATTTCCCAGGTA-3'